The following is an entry in ClinVar:

NM_000143.4(FH):c.353del (p.Asn118fs)

Gene: FH (fumarate hydratase; minus strand). Cytogenetic location: 1q43.
Variant type: Deletion.
Coding change: c.353del on transcript NM_000143.4 (MANE Select); coding-DNA position 353, one base deleted (A; older notation c.353delA).
Protein change: p.Asn118fs; shifts the reading frame from asparagine 118.
Molecular consequence: frameshift variant.
Genome position (GRCh38, 1-based): chr1:241,513,628, T deleted on the plus strand (A on the coding strand, the reverse complement: FH is on the minus strand); the first of 2 consecutive T bases (chr1:241,513,628-241,513,629); deleting either gives the same sequence. VCF-style (leftmost placement, unchanged base first): chr1-241513627-AT-A. GRCh37 (hg19) VCF-style: chr1-241676927-AT-A.
Other names: c.353delA (NM_000143.3); short protein forms N118fs.
Identifiers: ClinVar variation 576345 (VCV000576345.11), dbSNP rs1558401064, ClinGen allele CA891843178.

ClinVar aggregate classification (germline): Pathogenic. Review status: criteria provided, multiple submitters, no conflicts (2 of 4 stars). 3 submissions from 3 submitters: Pathogenic (3). Last evaluated 2024-03-05.

Conditions:
Hereditary leiomyomatosis and renal cell cancer. Also called: MULTIPLE CUTANEOUS AND UTERINE LEIOMYOMATA 1, WITH OR WITHOUT RENAL CELL CARCINOMA; Reed syndrome; Multiple cutaneous and uterine leiomyomatosis; Cutaneous leiomyomata with uterine leiomyomata; Leiomyoma, hereditary multiple, of skin; Multiple cutaneous and uterine leiomyomata. Identifiers: Orphanet 523, MedGen C1708350, MONDO:0007888, OMIM 150800, HP:0007437. Disease mechanism: loss of function.
Hereditary cancer-predisposing syndrome. Also called: Hereditary Cancer Syndrome; Tumor predisposition; Neoplastic Syndromes, Hereditary; Hereditary neoplastic syndrome. Identifiers: Orphanet 140162, MedGen C0027672, MeSH D009386, MONDO:0015356.

Submissions (3):

Myriad Genetics, Inc.
Classification: Pathogenic for Hereditary leiomyomatosis and renal cell cancer. Last evaluated: 2024-03-05. Review status: criteria provided, single submitter. Criteria: Myriad Autosomal Dominant, Autosomal Recessive and X-Linked Classification Criteria (2023). Collection method: clinical testing. Allele origin: unknown.
Comment: This variant is considered pathogenic. This variant creates a frameshift predicted to result in premature protein truncation.

Labcorp Genetics (formerly Invitae), Labcorp
Classification: Pathogenic. Last evaluated: 2022-11-01. Review status: criteria provided, single submitter. Criteria: Invitae Variant Classification Sherloc (09022015). Collection method: clinical testing. Allele origin: germline.
Comment: This sequence change creates a premature translational stop signal (p.Asn118Metfs*3) in the FH gene. It is expected to result in an absent or disrupted protein product. Loss-of-function variants in FH are known to be pathogenic (PMID: 11865300, 21398687). This variant is not present in population databases (gnomAD no frequency). This variant has not been reported in the literature in individuals affected with FH-related conditions. ClinVar contains an entry for this variant (Variation ID: 576345). For these reasons, this variant has been classified as Pathogenic.

Ambry Genetics
Classification: Pathogenic for Hereditary cancer-predisposing syndrome. Last evaluated: 2018-11-29. Review status: criteria provided, single submitter. Criteria: Ambry Variant Classification Scheme 2023. Collection method: clinical testing. Allele origin: germline.
Comment: The c.353delA pathogenic mutation, located in coding exon 3 of the FH gene, results from a deletion of one nucleotide at nucleotide position 353, causing a translational frameshift with a predicted alternate stop codon (p.N118Mfs*3). This alteration is expected to result in loss of function by premature protein truncation or nonsense-mediated mRNA decay. As such, this alteration is interpreted as a disease-causing mutation.

Literature cited by the submitters: PubMed 11865300 (cited by Labcorp Genetics (formerly Invitae), Labcorp); PubMed 21398687 (cited by Labcorp Genetics (formerly Invitae), Labcorp).